The following is an entry in ClinVar:

NM_003331.5(TYK2):c.740C>T (p.Pro247Leu)

Gene: TYK2 (tyrosine kinase 2; minus strand). Cytogenetic location: 19p13.2.
Variant type: single nucleotide variant.
Coding change: c.740C>T on transcript NM_003331.5 (MANE Select); coding-DNA position 740, C replaced by T.
Protein change: p.Pro247Leu; replaces proline 247 with leucine.
Molecular consequence: missense variant.
Genome position (GRCh38, 1-based): chr19:10,365,788, G>A on the plus strand (C>T on the coding strand, the complement: TYK2 is on the minus strand). VCF-style: chr19-10365788-G-A. GRCh37 (hg19) VCF-style: chr19-10476464-G-A.
Other names: short protein forms P247L.
Identifiers: ClinVar variation 847731 (VCV000847731.8), dbSNP rs746989305, ClinGen allele CA9193631.
Genomic context (GRCh38, chr19:10,365,788, plus strand): 5'-GCCAGCCGCTCGAGTGTGGCTAGGTATTTGACCATGACCATCTGCTGGGAGAGTCGGCCC[G>A]GCTGGAAGTCCCGCAGGAACCTGCGGAAGACGTTCCGAAGGCGCAGCCGGGTCAGGGCGC-3'
Protein context (NP_003322.3, residues 237-257): VFRRFLRDFQ[Pro247Leu]GRLSQQMVMV

ClinVar aggregate classification (germline): Uncertain significance (1 of 4 stars; one submission).

Conditions:
Immunodeficiency 35 (IMD35). Also called: TYK2 DEFICIENCY; Susceptibility to infection due to TYK2 deficiency; HIES WITH ATYPICAL MYCOBACTERIOSIS, AUTOSOMAL RECESSIVE; HYPER-IgE SYNDROME WITH ATYPICAL MYCOBACTERIOSIS, AUTOSOMAL RECESSIVE. Identifiers: Orphanet 331226, MedGen C1969086, MONDO:0012682, OMIM 611521.

Allele frequency attached by ClinVar (database versions not stated): ExAC 0.00001; gnomAD 0.00001 and 0.00002; gnomAD exomes 0.00001; TOPMed 0.00002.
gnomAD v4.1: 27 of 1,612,182 alleles (0.0017%); highest among the groups gnomAD compares: East Asian, 0.0089%; no homozygotes.

Submission:

Labcorp Genetics (formerly Invitae), Labcorp
Classification: Uncertain significance for Immunodeficiency 35. Last evaluated: 2026-01-06. Review status: criteria provided, single submitter. Criteria: Invitae Variant Classification Sherloc (09022015). Collection method: clinical testing. Allele origin: germline.
Comment: This sequence change replaces proline, which is neutral and non-polar, with leucine, which is neutral and non-polar, at codon 247 of the TYK2 protein (p.Pro247Leu). This variant is present in population databases (rs746989305, gnomAD 0.005%). This variant has not been reported in the literature in individuals affected with TYK2-related conditions. ClinVar contains an entry for this variant (Variation ID: 847731). Invitae Evidence Modeling of protein sequence and biophysical properties (such as structural, functional, and spatial information, amino acid conservation, physicochemical variation, residue mobility, and thermodynamic stability) indicates that this missense variant is not expected to disrupt TYK2 protein function with a negative predictive value of 80%. In summary, the available evidence is currently insufficient to determine the role of this variant in disease. Therefore, it has been classified as a Variant of Uncertain Significance.